The following is an entry in ClinVar:

ClinVar aggregate classification (germline): Likely pathogenic (1 of 4 stars; one submission).

Conditions:
Possible mitochondrial disorder - nuclear genes.

Submission:

Genetics Laboratory, Great Ormond Street Hospital NHS Foundation Trust, North Thames Genomic Laboratory Hub
Classification: Likely pathogenic for Possible mitochondrial disorder - nuclear genes. Last evaluated: 2026-05-19. Review status: criteria provided, single submitter. Criteria: ACGS Best Practice Guidelines for Variant Classification in Rare Disease 2024 v1.2. Collection method: clinical testing. Allele origin: germline. Affected: yes.
Comment: PM2_moderate, PVS1_moderate, PM3_moderate

NM_018238.4(AGK):c.1218del (p.Phe407fs)

Gene: AGK (acylglycerol kinase; plus strand). Cytogenetic location: 7q34.
Variant type: Deletion.
Coding change: c.1218del on transcript NM_018238.4 (MANE Select); coding-DNA position 1218, one base deleted (C; older notation c.1218delC).
Protein change: p.Phe407fs; shifts the reading frame from phenylalanine 407.
Molecular consequence: frameshift variant.
Genome position (GRCh38, 1-based): chr7:141,652,873, C deleted. VCF-style (leftmost placement, unchanged base first): chr7-141652872-TC-T. GRCh37 (hg19) VCF-style: chr7-141352672-TC-T.
Other names: short protein forms F407fs.
Identifiers: ClinVar variation 4871719 (VCV004871719.1).
Genomic context (GRCh38, chr7:141,652,872, plus strand): 5'-ACAGTGAGGAGTATGAAGCGATGCCTGTGGAGGTGAAACTGCTCCCCAGGAAGCTGCAGT[TC>T]TTCTGTGATCCTAGGAAGAGAGAACAGATGCTCACAAGCCCCACCCAGTGAGCAGCAGAA-3'